The following is an entry in ClinVar:

ClinVar aggregate classification (germline): Uncertain significance. Review status: criteria provided, multiple submitters, no conflicts (2 of 4 stars). 3 submissions from 3 submitters: Uncertain significance (3). Last evaluated 2025-07-22.

Conditions:
Hereditary cancer-predisposing syndrome. Also called: Hereditary Cancer Syndrome; Neoplastic Syndromes, Hereditary; Tumor predisposition; Hereditary neoplastic syndrome. Identifiers: Orphanet 140162, MedGen C0027672, MeSH D009386, MONDO:0015356.
Hereditary diffuse gastric adenocarcinoma (HDGC). Also called: DIFFUSE GASTRIC AND LOBULAR BREAST CANCER SYNDROME. Identifiers: Orphanet 26106, MedGen C1708349, MONDO:0007648, OMIM 137215.
Familial cancer of breast. Also called: Hereditary breast cancer; hereditary breast carcinoma; BREAST CANCER, FAMILIAL. Identifiers: Orphanet 227535, MedGen C0346153, MONDO:0016419, OMIM 114480. Disease mechanism: loss of function.

Submissions (3):

Ambry Genetics
Classification: Uncertain significance for Hereditary cancer-predisposing syndrome. Last evaluated: 2025-07-22. Review status: criteria provided, single submitter. Criteria: Ambry Variant Classification Scheme 2023. Collection method: clinical testing. Allele origin: germline.
Comment: The p.T217I variant (also known as c.650C>T), located in coding exon 5 of the CDH1 gene, results from a C to T substitution at nucleotide position 650. The threonine at codon 217 is replaced by isoleucine, an amino acid with similar properties. This amino acid position is well conserved in available vertebrate species. In addition, the in silico prediction for this alteration is inconclusive. Based on the available evidence, the clinical significance of this variant remains unclear.

Baylor Genetics
Classification: Uncertain significance for Familial cancer of breast. Last evaluated: 2024-01-20. Review status: criteria provided, single submitter. Criteria: ACMG Guidelines, 2015. Collection method: clinical testing. Allele origin: unknown.

Labcorp Genetics (formerly Invitae), Labcorp
Classification: Uncertain significance for Hereditary diffuse gastric adenocarcinoma. Last evaluated: 2020-08-26. Review status: criteria provided, single submitter. Criteria: Invitae Variant Classification Sherloc (09022015). Collection method: clinical testing. Allele origin: germline.
Comment: This sequence change replaces threonine with isoleucine at codon 217 of the CDH1 protein (p.Thr217Ile). The threonine residue is highly conserved and there is a moderate physicochemical difference between threonine and isoleucine. This variant is not present in population databases (ExAC no frequency). This variant has not been reported in the literature in individuals with CDH1-related conditions. ClinVar contains an entry for this variant (Variation ID: 231975). Algorithms developed to predict the effect of missense changes on protein structure and function (SIFT, PolyPhen-2, Align-GVGD) all suggest that this variant is likely to be disruptive, but these predictions have not been confirmed by published functional studies and their clinical significance is uncertain. In summary, the available evidence is currently insufficient to determine the role of this variant in disease. Therefore, it has been classified as a Variant of Uncertain Significance.

NM_004360.5(CDH1):c.650C>T (p.Thr217Ile)

Gene: CDH1 (cadherin 1; plus strand). Cytogenetic location: 16q22.1.
Variant type: single nucleotide variant.
Coding change: c.650C>T on transcript NM_004360.5 (MANE Select); coding-DNA position 650, C replaced by T.
Protein change: p.Thr217Ile; replaces threonine 217 with isoleucine.
Molecular consequence: missense variant. On other transcripts: 5 prime UTR variant (2).
Genome position (GRCh38, 1-based): chr16:68,808,811, C>T. VCF-style: chr16-68808811-C-T. GRCh37 (hg19) VCF-style: chr16-68842714-C-T.
Other names: c.650C>T (LRG_301t1); c.650C>T, p.Thr217Ile (NM_001317184.2); c.-966C>T (NM_001317185.2); c.-1170C>T (NM_001317186.2); short protein forms T217I.
Identifiers: ClinVar variation 231975 (VCV000231975.16), dbSNP rs778382252, ClinGen allele CA10580089.